The following is an entry in ClinVar:

ClinVar aggregate classification (germline): Conflicting classifications of pathogenicity. Review status: criteria provided, conflicting classifications (1 of 4 stars). 8 submissions from 7 submitters: Uncertain significance (2); Likely benign (5). 1 of the submissions does not count toward it. Last evaluated 2025-11-24.

Conditions:
Psoriatic arthritis, susceptibility to. Identifiers: MedGen C1835223, MONDO:0100232, OMIM 607507.
Yao syndrome. Also called: Susceptibility to Yao syndrome. Identifiers: MedGen C4310620, MONDO:0015019, OMIM 617321.
Blau syndrome (BLAUS). Also called: ARTHROCUTANEOUVEAL GRANULOMATOSIS; GRANULOMATOSIS, FAMILIAL JUVENILE SYSTEMIC; GRANULOMATOSIS, FAMILIAL, BLAU TYPE; GRANULOMATOUS INFLAMMATORY ARTHRITIS, DERMATITIS, AND UVEITIS, FAMILIAL; JABS SYNDROME. Identifiers: Orphanet 90340, MedGen C5201146, MONDO:0008523, OMIM 186580.
Inflammatory bowel disease 1 (IBD1). Also called: Inflammatory bowel disease 1, Crohn disease; INFLAMMATORY BOWEL DISEASE (CROHN DISEASE) 1. Identifiers: MedGen CN260071, MONDO:0009960, OMIM 266600.
NOD2-related disorder. Also called: NOD2-related condition.
Autoinflammatory syndrome. Identifiers: Orphanet 93665, MedGen C3890737, MONDO:0019751.
Regional enteritis. Also called: Enteritis, Granulomatous. Identifiers: MedGen C0678202, MeSH D003424.

Allele frequency attached by ClinVar (database versions not stated): gnomAD exomes 0.00028; ExAC 0.00033; ESP Exome Variant Server 0.00092; TOPMed 0.00117; gnomAD 0.00131; 1000 Genomes Project 30x 0.00234; 1000 Genomes Project 0.00260.
gnomAD v4.1: 418 of 1,613,144 alleles (0.026%); highest among the groups gnomAD compares: African/African-American, 0.41%; 1 homozygote.

Submissions (8):

Labcorp Genetics (formerly Invitae), Labcorp
Classification: Likely benign for Regional enteritis; Blau syndrome. Last evaluated: 2025-11-24. Review status: criteria provided, single submitter. Criteria: Invitae Variant Classification Sherloc (09022015). Collection method: clinical testing. Allele origin: germline.

Women's Health and Genetics/Laboratory Corporation of America, LabCorp
Classification: Likely benign. Last evaluated: 2025-04-22. Review status: criteria provided, single submitter. Criteria: LabCorp Variant Classification Summary - May 2015. Collection method: clinical testing. Allele origin: germline.

ARUP Laboratories, Molecular Genetics and Genomics, ARUP Laboratories
Classification: Likely benign. Last evaluated: 2024-12-07. Review status: criteria provided, single submitter. Criteria: ARUP Molecular Germline Variant Investigation Process 2024. Collection method: clinical testing. Allele origin: germline.

Blueprint Genetics
Classification: Likely benign. Last evaluated: 2024-11-22. Review status: criteria provided, single submitter. Criteria: ACMG Guidelines, 2015. Collection method: clinical testing. Allele origin: germline.

Genome Diagnostics Laboratory, The Hospital for Sick Children
Classification: Likely benign for Autoinflammatory syndrome. Last evaluated: 2021-04-08. Review status: criteria provided, single submitter. Criteria: ACMG Guidelines, 2015. Collection method: clinical testing. Allele origin: germline. Affected: yes.

Center for Genomics, Ann and Robert H. Lurie Children's Hospital of Chicago
Classification: Uncertain significance for Blau syndrome; Inflammatory bowel disease 1; Psoriatic arthritis, susceptibility to; Yao syndrome. Last evaluated: 2019-11-22. Review status: criteria provided, single submitter. Criteria: ACMG Guidelines, 2015. Collection method: clinical testing. Allele origin: germline.
Comment: NOD2 NM_0022162.2 exon 4 p.Arg684Gln (c.2051G>A): This variant has not been reported in the literature but is present in 0.3% (93/24762) of African alleles in the Genome Aggregation Database. This variant amino acid Glutamine (Glu) is present in >30 species including mammals and is not well conserved among evolutionarily distant species; this suggests that this variant may not impact the protein. Additional computational prediction tools do not suggest an impact. In summary, data on this variant is insufficient for disease classification. Therefore, the clinical significance of this variant is uncertain.

Center for Genomics, Ann and Robert H. Lurie Children's Hospital of Chicago
Classification: Uncertain significance for Blau syndrome; Yao syndrome; Inflammatory bowel disease 1. Review status: criteria provided, single submitter. Criteria: ACMG Guidelines, 2015. Collection method: clinical testing. Allele origin: germline.
Comment: the same text as in the submission from Center for Genomics, Ann and Robert H. Lurie Children's Hospital of Chicago above.

PreventionGenetics, part of Exact Sciences
Classification: Likely benign for NOD2-related condition. Last evaluated: 2024-07-03. Review status: no assertion criteria provided. Collection method: clinical testing. Allele origin: germline. Not counted in ClinVar's aggregate classification.
Comment: This variant is classified as likely benign based on ACMG/AMP sequence variant interpretation guidelines (Richards et al. 2015 PMID: 25741868, with internal and published modifications).

NM_001370466.1(NOD2):c.1970G>A (p.Arg657Gln)

Gene: NOD2 (nucleotide binding oligomerization domain containing 2; plus strand). Cytogenetic location: 16q12.1.
Variant type: single nucleotide variant.
Coding change: c.1970G>A on transcript NM_001370466.1 (MANE Select); coding-DNA position 1970, G replaced by A.
Protein change: p.Arg657Gln; replaces arginine 657 with glutamine.
Molecular consequence: missense variant. On other transcripts: non-coding transcript variant (1).
Genome position (GRCh38, 1-based): chr16:50,711,962, G>A. VCF-style: chr16-50711962-G-A. GRCh37 (hg19) VCF-style: chr16-50745873-G-A.
Other names: c.1970G>A, p.Arg657Gln (NM_001293557.2); c.2051G>A, p.Arg684Gln (NM_022162.3); short protein forms R657Q, R684Q.
Identifiers: ClinVar variation 779017 (VCV000779017.22), dbSNP rs114664276, ClinGen allele CA8051684.